The following is an entry in ClinVar:

NM_020631.6(PLEKHG5):c.1118G>A (p.Gly373Glu)

Gene: PLEKHG5 (pleckstrin homology and RhoGEF domain containing G5; minus strand). Cytogenetic location: 1p36.31.
Variant type: single nucleotide variant.
Coding change: c.1118G>A on transcript NM_020631.6 (MANE Select); coding-DNA position 1118, G replaced by A.
Protein change: p.Gly373Glu; replaces glycine 373 with glutamic acid.
Molecular consequence: missense variant.
Genome position (GRCh38, 1-based): chr1:6,471,771, C>T on the plus strand (G>A on the coding strand, the complement: PLEKHG5 is on the minus strand). VCF-style: chr1-6471771-C-T. GRCh37 (hg19) VCF-style: chr1-6531831-C-T.
Other names: c.1229G>A, p.Gly410Glu (NM_001042663.3, NM_001265592.2); c.1118G>A, p.Gly373Glu (NM_001042664.2, NM_001042665.2, NM_001265594.3 and 1 more transcripts); c.1325G>A, p.Gly442Glu (NM_001265593.2); short protein forms G442E, G410E, G373E.
Identifiers: ClinVar variation 965444 (VCV000965444.8), dbSNP rs1644599017, ClinGen allele CA338131986.

ClinVar aggregate classification (germline): Uncertain significance. Review status: criteria provided, multiple submitters, no conflicts (2 of 4 stars). 2 submissions from 2 submitters: Uncertain significance (2). Last evaluated 2025-08-13.

Conditions:
Neuronopathy, distal hereditary motor, autosomal recessive 4. Also called: NEUROPATHY, DISTAL HEREDITARY MOTOR, AUTOSOMAL RECESSIVE 4; Autosomal recessive lower motor neuron disease with childhood onset. Identifiers: Orphanet 206580, MedGen C1970211, MONDO:0012608, OMIM 611067.
Charcot-Marie-Tooth disease recessive intermediate C. Also called: CHARCOT-MARIE-TOOTH NEUROPATHY, RECESSIVE INTERMEDIATE C. Identifiers: Orphanet 369867, MedGen C3809309, MONDO:0014154, OMIM 615376.
Inborn genetic diseases. Identifiers: MedGen C0950123, MeSH D030342.

Submissions (2):

Ambry Genetics
Classification: Uncertain significance for Inborn genetic diseases. Last evaluated: 2025-08-13. Review status: criteria provided, single submitter. Criteria: Ambry Variant Classification Scheme 2023. Collection method: clinical testing. Allele origin: germline.

Labcorp Genetics (formerly Invitae), Labcorp
Classification: Uncertain significance for Neuronopathy, distal hereditary motor, autosomal recessive 4; Charcot-Marie-Tooth disease recessive intermediate C. Last evaluated: 2021-09-01. Review status: criteria provided, single submitter. Criteria: Invitae Variant Classification Sherloc (09022015). Collection method: clinical testing. Allele origin: germline.
Comment: This sequence change replaces glycine with glutamic acid at codon 373 of the PLEKHG5 protein (p.Gly373Glu). The glycine residue is highly conserved and there is a moderate physicochemical difference between glycine and glutamic acid. This variant is not present in population databases (ExAC no frequency). This variant has not been reported in the literature in individuals affected with PLEKHG5-related conditions. Algorithms developed to predict the effect of missense changes on protein structure and function are either unavailable or do not agree on the potential impact of this missense change (SIFT: "Deleterious"; PolyPhen-2: "Possibly Damaging"; Align-GVGD: "Class C0"). In summary, the available evidence is currently insufficient to determine the role of this variant in disease. Therefore, it has been classified as a Variant of Uncertain Significance.